The following is an entry in ClinVar:

NM_033026.6(PCLO):c.1599G>T (p.Gln533His)

Gene: PCLO (piccolo presynaptic cytomatrix protein; minus strand). Cytogenetic location: 7q21.11.
Variant type: single nucleotide variant.
Coding change: c.1599G>T on transcript NM_033026.6 (MANE Select); coding-DNA position 1599, G replaced by T.
Protein change: p.Gln533His; replaces glutamine 533 with histidine.
Molecular consequence: missense variant.
Genome position (GRCh38, 1-based): chr7:83,155,042, C>A on the plus strand (G>T on the coding strand, the complement: PCLO is on the minus strand). VCF-style: chr7-83155042-C-A. GRCh37 (hg19) VCF-style: chr7-82784358-C-A.
Other names: c.1599G>T, p.Gln533His (NM_014510.3); short protein forms Q533H.
Identifiers: ClinVar variation 1482559 (VCV001482559.6), dbSNP rs373513264, ClinGen allele CA4321408.

ClinVar aggregate classification (germline): Uncertain significance (1 of 4 stars; one submission).

Allele frequency attached by ClinVar (database versions not stated): TOPMed 0.00001.
gnomAD v4.1: 4 of 1,612,748 alleles (0.00025%); highest among the groups gnomAD compares: Admixed American, 0.0067%; no homozygotes.

Submission:

Labcorp Genetics (formerly Invitae), Labcorp
Classification: Uncertain significance. Last evaluated: 2023-04-14. Review status: criteria provided, single submitter. Criteria: Invitae Variant Classification Sherloc (09022015). Collection method: clinical testing. Allele origin: germline.
Comment: ClinVar contains an entry for this variant (Variation ID: 1482559). This variant has not been reported in the literature in individuals affected with PCLO-related conditions. This variant is present in population databases (no rsID available, gnomAD 0.01%). This sequence change replaces glutamine, which is neutral and polar, with histidine, which is basic and polar, at codon 533 of the PCLO protein (p.Gln533His). An algorithm developed to predict the effect of missense changes on protein structure and function (PolyPhen-2) suggests that this variant¬† is likely to be tolerated. In summary, the available evidence is currently insufficient to determine the role of this variant in disease. Therefore, it has been classified as a Variant of Uncertain Significance.